The following is an entry in ClinVar:

ClinVar aggregate classification (germline): Uncertain significance (1 of 4 stars; one submission).

Conditions:
Lethal multiple pterygium syndrome (LMPS). Identifiers: Orphanet 33108, MedGen C1854678, MONDO:0009668, OMIM 253290.

Submission:

Labcorp Genetics (formerly Invitae), Labcorp
Classification: Uncertain significance for Lethal multiple pterygium syndrome. Last evaluated: 2025-11-27. Review status: criteria provided, single submitter. Criteria: Invitae Variant Classification Sherloc (09022015). Collection method: clinical testing. Allele origin: germline.
Comment: This sequence change replaces lysine, which is basic and polar, with arginine, which is basic and polar, at codon 40 of the CHRND protein (p.Lys40Arg). This variant is not present in population databases (gnomAD no frequency). This variant has not been reported in the literature in individuals affected with CHRND-related conditions. Invitae Evidence Modeling of protein sequence and biophysical properties (such as structural, functional, and spatial information, amino acid conservation, physicochemical variation, residue mobility, and thermodynamic stability) indicates that this missense variant is not expected to disrupt CHRND protein function with a negative predictive value of 95%. In summary, the available evidence is currently insufficient to determine the role of this variant in disease. Therefore, it has been classified as a Variant of Uncertain Significance.

NM_000751.3(CHRND):c.119A>G (p.Lys40Arg)

Gene: CHRND (cholinergic receptor nicotinic delta subunit; plus strand). Cytogenetic location: 2q37.1.
Variant type: single nucleotide variant.
Coding change: c.119A>G on transcript NM_000751.3 (MANE Select); coding-DNA position 119, A replaced by G.
Protein change: p.Lys40Arg; replaces lysine 40 with arginine.
Molecular consequence: missense variant. On other transcripts: 5 prime UTR variant (2).
Genome position (GRCh38, 1-based): chr2:232,526,595, A>G. VCF-style: chr2-232526595-A-G. GRCh37 (hg19) VCF-style: chr2-233391305-A-G.
Other names: c.119A>G, p.Lys40Arg (NM_001256657.2); c.-153A>G (NM_001311195.2, NM_001311196.2); short protein forms K40R.
Identifiers: ClinVar variation 4778429 (VCV004778429.1).